The following is an entry in ClinVar:

NM_001207005.2(ZNF233):c.238+47T>A

Gene: ZNF233 (zinc finger protein 233; plus strand). Cytogenetic location: 19q13.31.
Variant type: single nucleotide variant.
Coding change: c.238+47T>A on transcript NM_001207005.2 (MANE Select); 47 bases into the intron after coding-DNA position 238, T replaced by A.
Molecular consequence: intron variant. On other transcripts: synonymous variant (1).
Genome position (GRCh38, 1-based): chr19:44,267,008, T>A. VCF-style: chr19-44267008-T-A. GRCh37 (hg19) VCF-style: chr19-44771161-T-A.
Other names: c.285T>A, p.Pro95= (NM_001330529.2); c.238+47T>A (NM_181756.3).
Identifiers: ClinVar variation 2650077 (VCV002650077.24), dbSNP rs138380363, ClinGen allele CA9498519.

ClinVar aggregate classification (germline): Likely benign (1 of 4 stars; one submission).

Allele frequency attached by ClinVar (database versions not stated): 1000 Genomes Project 0.00180; 1000 Genomes Project 30x 0.00187; TOPMed 0.00281; gnomAD 0.00399; ExAC 0.00464; ESP Exome Variant Server 0.00469; gnomAD exomes 0.00519.
gnomAD v4.1: 7,286 of 1,447,646 alleles (0.5%); highest among the groups gnomAD compares: Non-Finnish European, 0.58%; 22 homozygotes.

Submission:

CeGaT Center for Human Genetics Tuebingen
Classification: Likely benign. Last evaluated: 2023-04-01. Review status: criteria provided, single submitter. Criteria: CeGaT Center For Human Genetics Tuebingen Variant Classification Criteria Version 2. Collection method: clinical testing. Allele origin: germline. Affected: yes. Observed: 1 variant allele.
Comment: ZNF233: BP4, BP7, BS2